The following is an entry in ClinVar:

NM_005359.6(SMAD4):c.485A>G (p.Tyr162Cys)

Gene: SMAD4 (SMAD family member 4; plus strand). Cytogenetic location: 18q21.2.
Variant type: single nucleotide variant.
Coding change: c.485A>G on transcript NM_005359.6 (MANE Select); coding-DNA position 485, A replaced by G.
Protein change: p.Tyr162Cys; replaces tyrosine 162 with cysteine.
Molecular consequence: missense variant. On other transcripts: non-coding transcript variant (2).
Genome position (GRCh38, 1-based): chr18:51,054,811, A>G. VCF-style: chr18-51054811-A-G. GRCh37 (hg19) VCF-style: chr18-48581181-A-G.
Other names: c.485A>G, p.Tyr162Cys (NM_001407041.1, NM_001407042.1, NM_001407043.1); short protein forms Y162C.
Identifiers: ClinVar variation 2744281 (VCV002744281.5), dbSNP rs2144418008, ClinGen allele CA402460646.

ClinVar aggregate classification (germline): Uncertain significance. Review status: criteria provided, multiple submitters, no conflicts (2 of 4 stars). 2 submissions from 2 submitters: Uncertain significance (2). Last evaluated 2025-06-27.

Conditions:
Juvenile polyposis syndrome (JPS). Identifiers: Orphanet 2929, MedGen C0345893, MONDO:0017380, OMIM 174900.

Submissions (2):

Dasa
Classification: Uncertain significance. Last evaluated: 2025-06-27. Review status: criteria provided, single submitter. Criteria: DASA Assertion Criteria. Collection method: clinical testing. Allele origin: germline.
Comment: NM_005359.6(SMAD4):c.485A>G (p.Tyr162Cys) is a missense variant that results in the substitution of tyrosine with cysteine. This variant is absent from population databases. The currently available literature and clinical evidence are not sufficient to establish a definitive association between this variant and the reported condition. Therefore, this variant is classified as a variant of uncertain significance.

Labcorp Genetics (formerly Invitae), Labcorp
Classification: Uncertain significance for Juvenile polyposis syndrome. Last evaluated: 2023-05-28. Review status: criteria provided, single submitter. Criteria: Invitae Variant Classification Sherloc (09022015). Collection method: clinical testing. Allele origin: germline.
Comment: This variant has not been reported in the literature in individuals affected with SMAD4-related conditions. In summary, the available evidence is currently insufficient to determine the role of this variant in disease. Therefore, it has been classified as a Variant of Uncertain Significance. Advanced modeling of protein sequence and biophysical properties (such as structural, functional, and spatial information, amino acid conservation, physicochemical variation, residue mobility, and thermodynamic stability) has been performed at Invitae for this missense variant, however the output from this modeling did not meet the statistical confidence thresholds required to predict the impact of this variant on SMAD4 protein function. This variant is not present in population databases (gnomAD no frequency). This sequence change replaces tyrosine, which is neutral and polar, with cysteine, which is neutral and slightly polar, at codon 162 of the SMAD4 protein (p.Tyr162Cys).